The following is an entry in ClinVar:

NM_012123.4(MTO1):c.304C>T (p.Arg102Cys)

Gene: MTO1 (mitochondrial tRNA translation optimization 1; plus strand). Cytogenetic location: 6q13.
Variant type: single nucleotide variant.
Coding change: c.304C>T on transcript NM_012123.4 (MANE Select); coding-DNA position 304, C replaced by T.
Protein change: p.Arg102Cys; replaces arginine 102 with cysteine.
Molecular consequence: missense variant.
Genome position (GRCh38, 1-based): chr6:73,466,295, C>T. VCF-style: chr6-73466295-C-T. GRCh37 (hg19) VCF-style: chr6-74176018-C-T.
Other names: c.304C>T, p.Arg102Cys (NM_001123226.2, NM_133645.3); short protein forms R102C.
Identifiers: ClinVar variation 1506999 (VCV001506999.5), dbSNP rs201570582, ClinGen allele CA3889309.

ClinVar aggregate classification (germline): Uncertain significance (1 of 4 stars; one submission).

Conditions:
Mitochondrial hypertrophic cardiomyopathy with lactic acidosis due to MTO1 deficiency. Also called: CARDIOMYOPATHY, INFANTILE HYPERTROPHIC MITOCHONDRIAL, AND LACTIC ACIDOSIS; Combined oxidative phosphorylation deficiency 10. Identifiers: Orphanet 314637, MedGen C4749921, MONDO:0013865, OMIM 614702.

Allele frequency attached by ClinVar (database versions not stated): gnomAD 0.00001; ExAC 0.00002; TOPMed 0.00001.

Submission:

Labcorp Genetics (formerly Invitae), Labcorp
Classification: Uncertain significance for Mitochondrial hypertrophic cardiomyopathy with lactic acidosis due to MTO1 deficiency. Last evaluated: 2021-08-30. Review status: criteria provided, single submitter. Criteria: Invitae Variant Classification Sherloc (09022015). Collection method: clinical testing. Allele origin: germline.
Comment: This sequence change replaces arginine with cysteine at codon 102 of the MTO1 protein (p.Arg102Cys). The arginine residue is moderately conserved and there is a large physicochemical difference between arginine and cysteine. This variant is present in population databases (rs201570582, ExAC 0.004%). This variant has not been reported in the literature in individuals affected with MTO1-related conditions. Algorithms developed to predict the effect of missense changes on protein structure and function are either unavailable or do not agree on the potential impact of this missense change (SIFT: "Deleterious"; PolyPhen-2: "Probably Damaging"; Align-GVGD: "Class C0"). In summary, the available evidence is currently insufficient to determine the role of this variant in disease. Therefore, it has been classified as a Variant of Uncertain Significance.